The following is an entry in ClinVar:

NM_006904.7(PRKDC):c.9336+5T>C

Gene: PRKDC (protein kinase, DNA-activated, catalytic subunit; minus strand). Cytogenetic location: 8q11.21.
Variant type: single nucleotide variant.
Coding change: c.9336+5T>C on transcript NM_006904.7 (MANE Select); 5 bases into the intron after coding-DNA position 9336, T replaced by C.
Molecular consequence: intron variant.
Genome position (GRCh38, 1-based): chr8:47,820,714, A>G on the plus strand (T>C on the coding strand, the complement: PRKDC is on the minus strand). VCF-style: chr8-47820714-A-G. GRCh37 (hg19) VCF-style: chr8-48733275-A-G.
Other names: c.9336+5T>C (NM_001081640.2).
Identifiers: ClinVar variation 1957352 (VCV001957352.4), dbSNP rs955230553, ClinGen allele CA176148067.

ClinVar aggregate classification (germline): Uncertain significance (1 of 4 stars; one submission).

Conditions:
Severe combined immunodeficiency due to DNA-PKcs deficiency. Also called: IMMUNODEFICIENCY 26 WITH NEUROLOGIC ABNORMALITIES; Immunodeficiency 26 with or without neurologic abnormalities. Identifiers: Orphanet 317425, MedGen C4014833, MONDO:0014423, OMIM 615966.

Allele frequency attached by ClinVar (database versions not stated): gnomAD exomes below 0.00001; gnomAD 0.00001.
gnomAD v4.1: 2 of 1,474,146 alleles (0.00014%); highest among the groups gnomAD compares: Admixed American, 0.002%; no homozygotes.

Submission:

Labcorp Genetics (formerly Invitae), Labcorp
Classification: Uncertain significance for Severe combined immunodeficiency due to DNA-PKcs deficiency. Last evaluated: 2023-12-11. Review status: criteria provided, single submitter. Criteria: Invitae Variant Classification Sherloc (09022015). Collection method: clinical testing. Allele origin: germline.
Comment: This sequence change falls in intron 66 of the PRKDC gene. It does not directly change the encoded amino acid sequence of the PRKDC protein. It affects a nucleotide within the consensus splice site. This variant is not present in population databases (gnomAD no frequency). This variant has not been reported in the literature in individuals affected with PRKDC-related conditions. ClinVar contains an entry for this variant (Variation ID: 1957352). Variants that disrupt the consensus splice site are a relatively common cause of aberrant splicing (PMID: 17576681, 9536098). Algorithms developed to predict the effect of sequence changes on RNA splicing suggest that this variant is not likely to affect RNA splicing. In summary, the available evidence is currently insufficient to determine the role of this variant in disease. Therefore, it has been classified as a Variant of Uncertain Significance.

Literature cited by the submitters: PubMed 17576681; PubMed 9536098.